The following is an entry in ClinVar:

ClinVar aggregate classification (germline): Uncertain significance. Review status: criteria provided, multiple submitters, no conflicts (2 of 4 stars). 2 submissions from 2 submitters: Uncertain significance (2). Last evaluated 2024-03-07.

Conditions:
Inborn genetic diseases. Identifiers: MedGen C0950123, MeSH D030342.

Allele frequency attached by ClinVar (database versions not stated): gnomAD 0.00004; TOPMed 0.00005; ESP Exome Variant Server 0.00008; ExAC 0.00010.
gnomAD v4.1: 43 of 1,611,896 alleles (0.0027%); highest among the groups gnomAD compares: East Asian, 0.071%; no homozygotes.

Submissions (2):

Ambry Genetics
Classification: Uncertain significance for Inborn genetic diseases. Last evaluated: 2024-03-07. Review status: criteria provided, single submitter. Criteria: Ambry Variant Classification Scheme 2023. Collection method: clinical testing. Allele origin: germline.

Labcorp Genetics (formerly Invitae), Labcorp
Classification: Uncertain significance. Last evaluated: 2021-12-12. Review status: criteria provided, single submitter. Criteria: Invitae Variant Classification Sherloc (09022015). Collection method: clinical testing. Allele origin: germline.
Comment: This sequence change replaces arginine, which is basic and polar, with histidine, which is basic and polar, at codon 687 of the POP1 protein (p.Arg687His). This variant is present in population databases (rs146092766, gnomAD 0.2%). This variant has not been reported in the literature in individuals affected with POP1-related conditions. Algorithms developed to predict the effect of missense changes on protein structure and function output the following: SIFT: "Deleterious"; PolyPhen-2: "Benign"; Align-GVGD: "Class C0". The histidine amino acid residue is found in multiple mammalian species, which suggests that this missense change does not adversely affect protein function. In summary, the available evidence is currently insufficient to determine the role of this variant in disease. Therefore, it has been classified as a Variant of Uncertain Significance.

NM_001145860.2(POP1):c.2060G>A (p.Arg687His)

Gene: POP1 (POP1 homolog, ribonuclease P/MRP subunit; plus strand). Cytogenetic location: 8q22.2.
Variant type: single nucleotide variant.
Coding change: c.2060G>A on transcript NM_001145860.2 (MANE Select); coding-DNA position 2060, G replaced by A.
Protein change: p.Arg687His; replaces arginine 687 with histidine.
Molecular consequence: missense variant.
Genome position (GRCh38, 1-based): chr8:98,156,052, G>A. VCF-style: chr8-98156052-G-A. GRCh37 (hg19) VCF-style: chr8-99168280-G-A.
Other names: c.2060G>A, p.Arg687His (NM_001145861.2, NM_015029.3); c.2060G>A (NM_015029.2); short protein forms R687H.
Identifiers: ClinVar variation 2171011 (VCV002171011.4), dbSNP rs146092766, ClinGen allele CA4820773.